The following is an entry in ClinVar:

ClinVar aggregate classification (germline): Uncertain significance. Review status: criteria provided, multiple submitters, no conflicts (2 of 4 stars). 3 submissions from 3 submitters: Uncertain significance (3). Last evaluated 2026-07-07.

Conditions:
Inborn genetic diseases. Identifiers: MedGen C0950123, MeSH D030342.
RYR1-related disorder. Also called: RYR1-related condition; RYR1-related disorders. Identifiers: MedGen CN239331.

Allele frequency attached by ClinVar (database versions not stated): gnomAD exomes below 0.00001 and 0.00002; gnomAD 0.00001.
gnomAD v4.1: 3 of 1,503,698 alleles (0.0002%); highest among the groups gnomAD compares: East Asian, 0.0081%; no homozygotes.

Submissions (3):

Ambry Genetics
Classification: Uncertain significance for Inborn genetic diseases. Last evaluated: 2026-07-07. Review status: criteria provided, single submitter. Criteria: Ambry Variant Classification Scheme 2023. Collection method: clinical testing. Allele origin: germline.
Comment: The p.G4393S variant (also known as c.13177G>A), located in coding exon 91 of the RYR1 gene, results from a G to A substitution at nucleotide position 13177. The glycine at codon 4393 is replaced by serine, an amino acid with similar properties. This amino acid position is conserved. In addition, the in silico prediction for this alteration is inconclusive. Based on the available evidence, the clinical significance of this variant remains unclear.

Revvity Omics, Revvity
Classification: Uncertain significance. Last evaluated: 2023-06-27. Review status: criteria provided, single submitter. Criteria: ACMG Guidelines, 2015. Collection method: clinical testing. Allele origin: germline.

Labcorp Genetics (formerly Invitae), Labcorp
Classification: Uncertain significance for RYR1-related disorder. Last evaluated: 2022-10-17. Review status: criteria provided, single submitter. Criteria: Invitae Variant Classification Sherloc (09022015). Collection method: clinical testing. Allele origin: germline.
Comment: This sequence change replaces glycine, which is neutral and non-polar, with serine, which is neutral and polar, at codon 4393 of the RYR1 protein (p.Gly4393Ser). The frequency data for this variant in the population databases is considered unreliable, as metrics indicate poor data quality at this position in the gnomAD database. This variant has not been reported in the literature in individuals affected with RYR1-related conditions. ClinVar contains an entry for this variant (Variation ID: 1038407). Advanced modeling of protein sequence and biophysical properties (such as structural, functional, and spatial information, amino acid conservation, physicochemical variation, residue mobility, and thermodynamic stability) has been performed at Invitae for this missense variant, however the output from this modeling did not meet the statistical confidence thresholds required to predict the impact of this variant on RYR1 protein function. In summary, the available evidence is currently insufficient to determine the role of this variant in disease. Therefore, it has been classified as a Variant of Uncertain Significance.

NM_000540.3(RYR1):c.13177G>A (p.Gly4393Ser)

Gene: RYR1 (ryanodine receptor 1; plus strand). Cytogenetic location: 19q13.2.
Variant type: single nucleotide variant.
Coding change: c.13177G>A on transcript NM_000540.3 (MANE Select); coding-DNA position 13177, G replaced by A.
Protein change: p.Gly4393Ser; replaces glycine 4393 with serine.
Molecular consequence: missense variant.
Genome position (GRCh38, 1-based): chr19:38,565,511, G>A. VCF-style: chr19-38565511-G-A. GRCh37 (hg19) VCF-style: chr19-39056151-G-A.
Other names: c.13177G>A (NM_000540.2); c.13162G>A, p.Gly4388Ser (NM_001042723.2); short protein forms G4388S, G4393S.
Identifiers: ClinVar variation 1038407 (VCV001038407.9), dbSNP rs1444800471, ClinGen allele CA405674028.
Genomic context (GRCh38, chr19:38,565,511, plus strand): 5'-AAGGTGACGGTGACCGAGCTCCTGGCAGGCATGCCCGACCCCACCAGCGACGAGGTGCAC[G>A]GCGAGCAGCCGGCCGGGCCGGGCGGAGACGCAGACGGCGAGGGTGCCAGCGAGGGCGCTG-3'
Protein context (NP_000531.2, residues 4383-4403): MPDPTSDEVH[Gly4393Ser]EQPAGPGGDA